The following is an entry in ClinVar:

ClinVar aggregate classification (germline): Likely benign. Review status: criteria provided, multiple submitters, no conflicts (2 of 4 stars). 5 submissions from 5 submitters: Likely benign (3). 2 of the submissions do not count toward it. Last evaluated 2024-10-28.

Conditions:
Malignant hyperthermia, susceptibility to, 1 (MHS1). Also called: RYR1-Related Malignant Hyperthermia Susceptibility; Anesthesia related hyperthermia; Malignant hyperpyrexia; Fulminating hyperpyrexia; Pharmacogenic myopathy; Malignant hyperthermia suceptibility 1. Identifiers: Orphanet 423, MedGen C2930980, MONDO:0007783, OMIM 145600.

Submissions (5):

Blueprint Genetics
Classification: Likely benign. Last evaluated: 2024-10-28. Review status: criteria provided, single submitter. Criteria: ACMG Guidelines, 2015. Collection method: clinical testing. Allele origin: germline.

All of Us Research Program, National Institutes of Health
Classification: Likely benign for Malignant hyperthermia, susceptibility to, 1. Last evaluated: 2024-07-20. Review status: criteria provided, single submitter. Criteria: ACMG Guidelines, 2015. Collection method: clinical testing. Allele origin: germline. Inheritance: Autosomal dominant inheritance. Observed: 1 variant allele, 1 heterozygote.
Comment: This study involves interpretation of variants in research participants for the purpose of population health screening. Participant phenotype was not available at the time of variant classification. Additional details can be found in publication PMID: 35346344, PMCID: PMC8962531

Breakthrough Genomics
Classification: Likely benign. Review status: criteria provided, single submitter. Criteria: ACMG Guidelines, 2015. Collection method: not provided. Allele origin: germline. Inheritance: Autosomal recessive inheritance. Affected: yes.

Genome Diagnostics Laboratory, University Medical Center Utrecht
Classification: Likely benign. Review status: no assertion criteria provided. Collection method: clinical testing. Allele origin: germline. Affected: yes. Study: VKGL Data-share Consensus. Not counted in ClinVar's aggregate classification.

Laboratory of Diagnostic Genome Analysis, Leiden University Medical Center (LUMC)
Classification: Likely benign. Review status: no assertion criteria provided. Collection method: clinical testing. Allele origin: germline. Affected: yes. Study: VKGL Data-share Consensus. Not counted in ClinVar's aggregate classification.

NM_000540.3(RYR1):c.7445-13T>A

Gene: RYR1 (ryanodine receptor 1; plus strand). Cytogenetic location: 19q13.2.
Variant type: single nucleotide variant.
Coding change: c.7445-13T>A on transcript NM_000540.3 (MANE Select); 13 bases into the intron before coding-DNA position 7445, T replaced by A.
Molecular consequence: intron variant.
Genome position (GRCh38, 1-based): chr19:38,500,808, T>A. VCF-style: chr19-38500808-T-A. GRCh37 (hg19) VCF-style: chr19-38991448-T-A.
Other names: c.7445-13T>A (NM_001042723.2).
Identifiers: ClinVar variation 1328022 (VCV001328022.4), dbSNP rs1600825341, ClinGen allele CA995716205.